The following is an entry in ClinVar:

NM_001267550.2(TTN):c.58190C>T (p.Thr19397Met)

Genes: TTN (titin; minus strand), TTN-AS1 (TTN antisense RNA 1; plus strand). Cytogenetic location: 2q31.2.
Variant type: single nucleotide variant.
Coding change: c.58190C>T on transcript NM_001267550.2 (MANE Select); coding-DNA position 58190, C replaced by T.
Protein change: p.Thr19397Met; replaces threonine 19397 with methionine.
Molecular consequence: missense variant.
Genome position (GRCh38, 1-based): chr2:178,594,203, G>A on the plus strand (C>T on the coding strand, the complement: TTN is on the minus strand). VCF-style: chr2-178594203-G-A. GRCh37 (hg19) VCF-style: chr2-179458930-G-A.
Other names: c.30995C>T, p.Thr10332Met (NM_003319.4); c.31370C>T, p.Thr10457Met (NM_133432.3); c.31571C>T, p.Thr10524Met (NM_133437.4); c.53267C>T, p.Thr17756Met (NM_001256850.1); c.50486C>T, p.Thr16829Met (NM_133378.4); short protein forms T16829M, T19397M, T10332M, T10457M, T17756M, T10524M.
Identifiers: ClinVar variation 165947 (VCV000165947.19), dbSNP rs373527448, ClinGen allele CA178656.

ClinVar aggregate classification (germline): Conflicting classifications of pathogenicity. Review status: criteria provided, conflicting classifications (1 of 4 stars). 9 submissions from 9 submitters: Uncertain significance (6); Likely benign (3). Last evaluated 2025-12-11.

Conditions:
TTN-related disorder. Also called: TTN-related condition; TTN-related disease; TTN-related disorders.
Dilated cardiomyopathy 1G (CMD1G). Identifiers: Orphanet 154, MedGen C1858763, MONDO:0011400, OMIM 604145.
Autosomal recessive limb-girdle muscular dystrophy type 2J (LGMDR10). Also called: Limb-girdle muscular dystrophy, type 2J; MUSCULAR DYSTROPHY, LIMB-GIRDLE, AUTOSOMAL RECESSIVE 10. Identifiers: Orphanet 140922, MedGen C1837342, MONDO:0012127, OMIM 608807.
Cardiomyopathy (CMYO). Also called: Cardiomyopathies. Identifiers: Orphanet 167848, MedGen C0878544, MONDO:0004994, HP:0001638. Inheritance: Various modes of inheritance.

Allele frequency attached by ClinVar (database versions not stated): gnomAD exomes 0.00003 and 0.00009; ExAC 0.00005; ESP Exome Variant Server 0.00008; TOPMed 0.00012; gnomAD 0.00013 and 0.00014; 1000 Genomes Project 30x 0.00016; 1000 Genomes Project 0.00020.
gnomAD v4.1: 64 of 1,613,326 alleles (0.004%); highest among the groups gnomAD compares: Admixed American, 0.063%; no homozygotes.

Submissions (9):

PreventionGenetics, part of Exact Sciences
Classification: Uncertain significance for TTN-related condition. Last evaluated: 2025-12-11. Review status: criteria provided, single submitter. Criteria: ACMG Guidelines, 2015. Collection method: clinical testing. Allele origin: germline.
Comment: The TTN c.58190C>T variant is predicted to result in the amino acid substitution p.Thr19397Met. To our knowledge, this variant has not been reported in the literature. This variant is reported in 0.048% of alleles in individuals of Latino descent in gnomAD. At this time, the clinical significance of this variant is uncertain due to the absence of conclusive functional and genetic evidence.

Women's Health and Genetics/Laboratory Corporation of America, LabCorp
Classification: Uncertain significance. Last evaluated: 2025-04-22. Review status: criteria provided, single submitter. Criteria: LabCorp Variant Classification Summary - May 2015. Collection method: clinical testing. Allele origin: germline.

Molecular Diagnostic Laboratory for Inherited Cardiovascular Disease, Montreal Heart Institute
Classification: Likely benign. Last evaluated: 2025-04-09. Review status: criteria provided, single submitter. Criteria: ACMG Guidelines, 2015. Collection method: clinical testing. Allele origin: germline. Affected: no.

Revvity Omics, Revvity
Classification: Uncertain significance. Last evaluated: 2025-03-26. Review status: criteria provided, single submitter. Criteria: ACMG Guidelines, 2015. Collection method: clinical testing. Allele origin: germline.

CHEO Genetics Diagnostic Laboratory, Children's Hospital of Eastern Ontario
Classification: Likely benign for Cardiomyopathy. Last evaluated: 2021-06-02. Review status: criteria provided, single submitter. Criteria: ACMG Guidelines, 2015. Collection method: clinical testing. Allele origin: germline.

GeneDx
Classification: Likely benign. Last evaluated: 2019-12-02. Review status: criteria provided, single submitter. Criteria: GeneDx Variant Classification Process June 2021. Collection method: clinical testing. Allele origin: germline. Affected: yes.

Labcorp Genetics (formerly Invitae), Labcorp
Classification: Uncertain significance for Dilated cardiomyopathy 1G; Autosomal recessive limb-girdle muscular dystrophy type 2J. Last evaluated: 2017-10-23. Review status: criteria provided, single submitter. Criteria: Invitae Variant Classification Sherloc (09022015). Collection method: clinical testing. Allele origin: germline.

Laboratory for Molecular Medicine, Mass General Brigham Personalized Medicine
Classification: Uncertain significance. Last evaluated: 2014-08-07. Review status: criteria provided, single submitter. Criteria: LMM Criteria. Collection method: clinical testing. Allele origin: germline. Observed: 1 variant allele.
Comment: Variant classified as Uncertain Significance - Favor Benign. The Thr16829Met var iant in TTN has not been previously reported in individuals with cardiomyopathy, but has been identified in 1/3818 African American chromosomes by the NHLBI Exo me Sequencing Project (dbSNP rs373527448). Th e threonine (Thr) at position 16829 is not conserved in mammals or evolutionaril y distant species and at least 7 fish species carry a methionine (Met) at this p osition, raising the possibility that this change may be tolerated. In summary, while the clinical significance of the Thr16829Met variant is uncertain, these d ata suggest that it is more likely to be benign.

Eurofins Ntd Llc (ga)
Classification: Uncertain significance. Last evaluated: 2014-06-02. Review status: criteria provided, single submitter. Criteria: EGL Classification Definitions 2015. Collection method: clinical testing. Allele origin: germline. Observed: 1 variant allele, 1 heterozygote.